The following is an entry in ClinVar:

NM_138927.4(SON):c.4683T>G (p.Ile1561Met)

Gene: SON (SON DNA and RNA binding protein; plus strand). Cytogenetic location: 21q22.11.
Variant type: single nucleotide variant.
Coding change: c.4683T>G on transcript NM_138927.4 (MANE Select); coding-DNA position 4683, T replaced by G.
Protein change: p.Ile1561Met; replaces isoleucine 1561 with methionine.
Molecular consequence: missense variant. On other transcripts: non-coding transcript variant (1), intron variant (1).
Genome position (GRCh38, 1-based): chr21:33,553,914, T>G. VCF-style: chr21-33553914-T-G. GRCh37 (hg19) VCF-style: chr21-34926220-T-G.
Other names: c.4683T>G, p.Ile1561Met (NM_001291411.2, NM_032195.3); c.245-3242T>G (NM_001291412.3); short protein forms I1561M.
Identifiers: ClinVar variation 3716862 (VCV003716862.4).

ClinVar aggregate classification (germline): Uncertain significance. Review status: criteria provided, multiple submitters, no conflicts (2 of 4 stars). 2 submissions from 2 submitters: Uncertain significance (2). Last evaluated 2025-11-10.

gnomAD v4.1: 6 of 1,613,944 alleles (0.00037%); highest among the groups gnomAD compares: African/African-American, 0.0053%; no homozygotes.

Submissions (2):

Dasa
Classification: Uncertain significance. Last evaluated: 2025-11-10. Review status: criteria provided, single submitter. Criteria: DASA Assertion Criteria. Collection method: clinical testing. Allele origin: germline.
Comment: NM_138927.4(SON):c.4683T>G (p.Ile1561Met) is a missense variant that results in the substitution of isoleucine with methionine. This variant is rare in population databases. Computational prediction algorithms are consistent with a benign effect. The currently available literature and clinical evidence are not sufficient to establish a definitive association between this variant and the reported condition. Therefore, this variant is classified as a variant of uncertain significance.

Labcorp Genetics (formerly Invitae), Labcorp
Classification: Uncertain significance. Last evaluated: 2024-03-03. Review status: criteria provided, single submitter. Criteria: Invitae Variant Classification Sherloc (09022015). Collection method: clinical testing. Allele origin: germline.
Comment: This sequence change replaces isoleucine, which is neutral and non-polar, with methionine, which is neutral and non-polar, at codon 1561 of the SON protein (p.Ile1561Met). This variant is present in population databases (rs781282484, gnomAD 0.007%). This variant has not been reported in the literature in individuals affected with SON-related conditions. Algorithms developed to predict the effect of missense changes on protein structure and function output the following: SIFT: "Not Available"; PolyPhen-2: "Benign"; Align-GVGD: "Not Available". The methionine amino acid residue is found in multiple mammalian species, which suggests that this missense change does not adversely affect protein function. In summary, the available evidence is currently insufficient to determine the role of this variant in disease. Therefore, it has been classified as a Variant of Uncertain Significance.